The following is an entry in ClinVar:

ClinVar aggregate classification (germline): Uncertain significance (1 of 4 stars; one submission).

Allele frequency attached by ClinVar (database versions not stated): ExAC 0.00002; gnomAD exomes 0.00002 and 0.00003; gnomAD 0.00003; TOPMed 0.00004; ESP Exome Variant Server 0.00008.
gnomAD v4.1: 57 of 1,614,092 alleles (0.0035%); highest among the groups gnomAD compares: Non-Finnish European, 0.0046%; no homozygotes.

Submission:

Labcorp Genetics (formerly Invitae), Labcorp
Classification: Uncertain significance. Last evaluated: 2022-08-19. Review status: criteria provided, single submitter. Criteria: Invitae Variant Classification Sherloc (09022015). Collection method: clinical testing. Allele origin: germline.
Comment: This sequence change replaces alanine, which is neutral and non-polar, with valine, which is neutral and non-polar, at codon 1494 of the CAD protein (p.Ala1494Val). This variant is present in population databases (rs368079051, gnomAD 0.005%). This variant has not been reported in the literature in individuals affected with CAD-related conditions. ClinVar contains an entry for this variant (Variation ID: 1449150). Algorithms developed to predict the effect of missense changes on protein structure and function are either unavailable or do not agree on the potential impact of this missense change (SIFT: "Tolerated"; PolyPhen-2: "Possibly Damaging"; Align-GVGD: "Class C0"). Algorithms developed to predict the effect of sequence changes on RNA splicing suggest that this variant may create or strengthen a splice site. In summary, the available evidence is currently insufficient to determine the role of this variant in disease. Therefore, it has been classified as a Variant of Uncertain Significance.

NM_004341.5(CAD):c.4481C>T (p.Ala1494Val)

Gene: CAD (carbamoyl-phosphate synthetase 2, aspartate transcarbamylase, and dihydroorotase; plus strand). Cytogenetic location: 2p23.3.
Variant type: single nucleotide variant.
Coding change: c.4481C>T on transcript NM_004341.5 (MANE Select); coding-DNA position 4481, C replaced by T.
Protein change: p.Ala1494Val; replaces alanine 1494 with valine.
Molecular consequence: missense variant.
Genome position (GRCh38, 1-based): chr2:27,237,463, C>T. VCF-style: chr2-27237463-C-T. GRCh37 (hg19) VCF-style: chr2-27460331-C-T.
Other names: c.4292C>T, p.Ala1431Val (NM_001306079.2); short protein forms A1431V, A1494V.
Identifiers: ClinVar variation 1449150 (VCV001449150.6), dbSNP rs368079051, ClinGen allele CA1573537.